The following is an entry in ClinVar:

ClinVar aggregate classification (germline): Uncertain significance. Review status: criteria provided, multiple submitters, no conflicts (2 of 4 stars). 2 submissions from 2 submitters: Uncertain significance (2). Last evaluated 2025-09-03.

Conditions:
Hereditary cancer-predisposing syndrome. Also called: Tumor predisposition; Hereditary neoplastic syndrome; Hereditary Cancer Syndrome; Neoplastic Syndromes, Hereditary. Identifiers: Orphanet 140162, MedGen C0027672, MeSH D009386, MONDO:0015356.
Familial cancer of breast. Also called: BREAST CANCER, FAMILIAL; Hereditary breast cancer; hereditary breast carcinoma. Identifiers: Orphanet 227535, MedGen C0346153, MONDO:0016419, OMIM 114480. Disease mechanism: loss of function.

Submissions (2):

Labcorp Genetics (formerly Invitae), Labcorp
Classification: Uncertain significance for Familial cancer of breast. Last evaluated: 2025-09-03. Review status: criteria provided, single submitter. Criteria: Invitae Variant Classification Sherloc (09022015). Collection method: clinical testing. Allele origin: germline.
Comment: This sequence change replaces glycine, which is neutral and non-polar, with serine, which is neutral and polar, at codon 151 of the CHEK2 protein (p.Gly151Ser). This variant is not present in population databases (gnomAD no frequency). This variant has not been reported in the literature in individuals affected with CHEK2-related conditions. ClinVar contains an entry for this variant (Variation ID: 963145). An algorithm developed to predict the effect of missense changes on protein structure and function (PolyPhen-2) suggests that this variant is likely to be tolerated. In summary, the available evidence is currently insufficient to determine the role of this variant in disease. Therefore, it has been classified as a Variant of Uncertain Significance.

Ambry Genetics
Classification: Uncertain significance for Hereditary cancer-predisposing syndrome. Last evaluated: 2019-11-18. Review status: criteria provided, single submitter. Criteria: Ambry Variant Classification Scheme 2023. Collection method: clinical testing. Allele origin: germline.
Comment: The p.G151S variant (also known as c.451G>A), located in coding exon 3 of the CHEK2 gene, results from a G to A substitution at nucleotide position 451. The glycine at codon 151 is replaced by serine, an amino acid with similar properties. This amino acid position is highly conserved in available vertebrate species. In addition, the in silico prediction for this alteration is inconclusive. Since supporting evidence is limited at this time, the clinical significance of this alteration remains unclear.

NM_007194.4(CHEK2):c.451G>A (p.Gly151Ser)

Gene: CHEK2 (checkpoint kinase 2; minus strand). Cytogenetic location: 22q12.1.
Variant type: single nucleotide variant.
Coding change: c.451G>A on transcript NM_007194.4 (MANE Select); coding-DNA position 451, G replaced by A.
Protein change: p.Gly151Ser; replaces glycine 151 with serine.
Molecular consequence: missense variant. On other transcripts: 5 prime UTR variant (2), intron variant (1).
Genome position (GRCh38, 1-based): chr22:28,725,118, C>T on the plus strand (G>A on the coding strand, the complement: CHEK2 is on the minus strand). VCF-style: chr22-28725118-C-T. GRCh37 (hg19) VCF-style: chr22-29121106-C-T.
Other names: c.580G>A, p.Gly194Ser (NM_001005735.3, NM_001438294.1); c.-327G>A (NM_001257387.3); c.-213G>A (NM_001437942.1); c.544G>A, p.Gly182Ser (NM_001438293.1, NM_001438295.1); c.451G>A, p.Gly151Ser (NM_145862.3); c.444+125G>A (NM_001349956.3); short protein forms G151S, G194S, G182S.
Identifiers: ClinVar variation 963145 (VCV000963145.11), dbSNP rs587781377, ClinGen allele CA411107744.
Genomic context (GRCh38, chr22:28,725,118, plus strand): 5'-TTACAAAGGTTCCATTGCCACTGTGATCTTCTATGTATGCAATGTAAGAGTTTTTAGGAC[C>T]CACTTCCTAAAATAGAGAACATTTTGTTTCAGACTTTGAATAGCAGAGATTTATAGTGGG-3'
Protein context (NP_009125.1, residues 141-161): KKHFRIFREV[Gly151Ser]PKNSYIAYIE